The following is an entry in ClinVar:

NM_020686.6(ABAT):c.1130G>A (p.Arg377Gln)

Gene: ABAT (4-aminobutyrate aminotransferase; plus strand). Cytogenetic location: 16p13.2.
Variant type: single nucleotide variant.
Coding change: c.1130G>A on transcript NM_020686.6 (MANE Select); coding-DNA position 1130, G replaced by A.
Protein change: p.Arg377Gln; replaces arginine 377 with glutamine.
Molecular consequence: missense variant.
Genome position (GRCh38, 1-based): chr16:8,776,351, G>A. VCF-style: chr16-8776351-G-A. GRCh37 (hg19) VCF-style: chr16-8870208-G-A.
Other names: c.1130G>A, p.Arg377Gln (NM_000663.5, NM_001127448.2, NM_001386600.1 and 6 more transcripts); c.1091G>A, p.Arg364Gln (NM_001386605.1); c.1067G>A, p.Arg356Gln (NM_001386606.1, NM_001386607.1); c.1037G>A, p.Arg346Gln (NM_001386608.1); c.995G>A, p.Arg332Gln (NM_001386610.1, NM_001386611.1); c.932G>A, p.Arg311Gln (NM_001386612.1, NM_001386613.1); c.884G>A, p.Arg295Gln (NM_001386614.1); c.1226G>A, p.Arg409Gln (NM_001386615.1); short protein forms R346Q, R356Q, R377Q, R295Q, R311Q, R364Q, R409Q, R332Q.
Identifiers: ClinVar variation 1420593 (VCV001420593.3), dbSNP rs370489933, ClinGen allele CA7893446.
Genomic context (GRCh38, chr16:8,776,351, plus strand): 5'-CCTGCAGGGTGTGCATGTGTGTGAAGCCTTCCAACACCCGTTCCTCATTCCAGCCCTACC[G>A]GATCTTCAACACCTGGCTGGGGGACCCGTCCAAGAACCTGTTGCTGGCTGAGGTCATCAA-3'
Protein context (NP_065737.2, residues 367-387): KEEFRPNAPY[Arg377Gln]IFNTWLGDPS

ClinVar aggregate classification (germline): Uncertain significance (1 of 4 stars; one submission).

Conditions:
Gamma-aminobutyric acid transaminase deficiency (GABATD). Also called: GABA transaminase deficiency; Gamma aminobutyrate transaminase deficiency; 4 alpha aminobutyrate transaminase deficiency; GABA aminotransaminase deficiency. Identifiers: Orphanet 2066, MedGen C0342708, MONDO:0013166, OMIM 613163.

Allele frequency attached by ClinVar (database versions not stated): ExAC 0.00001; gnomAD exomes 0.00001; TOPMed 0.00001; ESP Exome Variant Server 0.00008.
gnomAD v4.1: 12 of 1,614,168 alleles (0.00074%); highest among the groups gnomAD compares: East Asian, 0.0022%; no homozygotes.

Submission:

Labcorp Genetics (formerly Invitae), Labcorp
Classification: Uncertain significance for Gamma-aminobutyric acid transaminase deficiency. Last evaluated: 2022-08-09. Review status: criteria provided, single submitter. Criteria: Invitae Variant Classification Sherloc (09022015). Collection method: clinical testing. Allele origin: germline.
Comment: This sequence change replaces arginine, which is basic and polar, with glutamine, which is neutral and polar, at codon 377 of the ABAT protein (p.Arg377Gln). This variant is present in population databases (rs370489933, gnomAD 0.007%). This variant has not been reported in the literature in individuals affected with ABAT-related conditions. ClinVar contains an entry for this variant (Variation ID: 1420593). Algorithms developed to predict the effect of missense changes on protein structure and function are either unavailable or do not agree on the potential impact of this missense change (SIFT: "Deleterious"; PolyPhen-2: "Probably Damaging"; Align-GVGD: "Class C0"). Algorithms developed to predict the effect of sequence changes on RNA splicing suggest that this variant may create or strengthen a splice site. In summary, the available evidence is currently insufficient to determine the role of this variant in disease. Therefore, it has been classified as a Variant of Uncertain Significance.